The following is an entry in ClinVar:

NM_002439.5(MSH3):c.2146A>C (p.Lys716Gln)

Gene: MSH3 (mutS homolog 3; plus strand). Cytogenetic location: 5q14.1.
Variant type: single nucleotide variant.
Coding change: c.2146A>C on transcript NM_002439.5 (MANE Select); coding-DNA position 2146, A replaced by C.
Protein change: p.Lys716Gln; replaces lysine 716 with glutamine.
Molecular consequence: missense variant.
Genome position (GRCh38, 1-based): chr5:80,768,896, A>C. VCF-style: chr5-80768896-A-C. GRCh37 (hg19) VCF-style: chr5-80064715-A-C.
Other names: short protein forms K716Q.
Identifiers: ClinVar variation 2866557 (VCV002866557.3), dbSNP rs2546774247, ClinGen allele CA360279392.

ClinVar aggregate classification (germline): Uncertain significance (1 of 4 stars; one submission).

Submission:

Labcorp Genetics (formerly Invitae), Labcorp
Classification: Uncertain significance. Last evaluated: 2023-11-17. Review status: criteria provided, single submitter. Criteria: Invitae Variant Classification Sherloc (09022015). Collection method: clinical testing. Allele origin: germline.
Comment: This sequence change replaces lysine, which is basic and polar, with glutamine, which is neutral and polar, at codon 716 of the MSH3 protein (p.Lys716Gln). RNA analysis indicates that this missense change induces altered splicing and may result in an absent or disrupted protein product. This variant is not present in population databases (gnomAD no frequency). This variant has not been reported in the literature in individuals affected with MSH3-related conditions. An algorithm developed to predict the effect of missense changes on protein structure and function (PolyPhen-2) suggests that this variant is likely to be disruptive. Studies have shown that this missense change results in skipping of partial exon 15 and introduces a premature termination codon (Invitae). The resulting mRNA is expected to undergo nonsense-mediated decay. In summary, the available evidence is currently insufficient to determine the role of this variant in disease. Therefore, it has been classified as a Variant of Uncertain Significance.